The following is an entry in ClinVar:

NM_007186.6(CEP250):c.4522G>C (p.Glu1508Gln)

Gene: CEP250 (centrosomal protein 250; plus strand). Cytogenetic location: 20q11.22.
Variant type: single nucleotide variant.
Coding change: c.4522G>C on transcript NM_007186.6 (MANE Select); coding-DNA position 4522, G replaced by C.
Protein change: p.Glu1508Gln; replaces glutamic acid 1508 with glutamine.
Molecular consequence: missense variant.
Genome position (GRCh38, 1-based): chr20:35,502,891, G>C. VCF-style: chr20-35502891-G-C. GRCh37 (hg19) VCF-style: chr20-34090719-G-C.
Other names: c.2626G>C, p.Glu876Gln (NM_001318219.1); short protein forms E1508Q, E876Q.
Identifiers: ClinVar variation 1428022 (VCV001428022.6), dbSNP rs1270550943, ClinGen allele CA408748473.

ClinVar aggregate classification (germline): Uncertain significance (1 of 4 stars; one submission).

Allele frequency attached by ClinVar (database versions not stated): gnomAD exomes below 0.00001; TOPMed below 0.00001.
gnomAD v4.1: 1 of 1,614,230 alleles (0.000062%); highest among the groups gnomAD compares: Admixed American, 0.0017%; no homozygotes.

Submission:

Labcorp Genetics (formerly Invitae), Labcorp
Classification: Uncertain significance. Last evaluated: 2022-10-17. Review status: criteria provided, single submitter. Criteria: Invitae Variant Classification Sherloc (09022015). Collection method: clinical testing. Allele origin: germline.
Comment: ClinVar contains an entry for this variant (Variation ID: 1428022). This sequence change replaces glutamic acid with glutamine at codon 1508 of the CEP250 protein (p.Glu1508Gln). The glutamic acid residue is moderately conserved and there is a small physicochemical difference between glutamic acid and glutamine. This variant is present in population databases (no rsID available, gnomAD 0.003%). This variant has not been reported in the literature in individuals affected with CEP250-related conditions. Algorithms developed to predict the effect of missense changes on protein structure and function are either unavailable or do not agree on the potential impact of this missense change (SIFT: "Not Available"; PolyPhen-2: "Probably Damaging"; Align-GVGD: "Not Available"). In summary, the available evidence is currently insufficient to determine the role of this variant in disease. Therefore, it has been classified as a Variant of Uncertain Significance.